The following is an entry in ClinVar:

NM_001001331.4(ATP2B2):c.176G>T (p.Arg59Leu)

Gene: ATP2B2 (ATPase plasma membrane Ca2+ transporting 2; minus strand). Cytogenetic location: 3p25.3.
Variant type: single nucleotide variant.
Coding change: c.176G>T on transcript NM_001001331.4 (MANE Select); coding-DNA position 176, G replaced by T.
Protein change: p.Arg59Leu; replaces arginine 59 with leucine.
Molecular consequence: missense variant.
Genome position (GRCh38, 1-based): chr3:10,449,368, C>A on the plus strand (G>T on the coding strand, the complement: ATP2B2 is on the minus strand). VCF-style: chr3-10449368-C-A. GRCh37 (hg19) VCF-style: chr3-10491052-C-A.
Other names: c.176G>T, p.Arg59Leu (NM_001363862.1, NM_001683.5, NM_001330611.3 and 1 more transcripts); short protein forms R59L.
Identifiers: ClinVar variation 2742685 (VCV002742685.3), dbSNP rs149328739, ClinGen allele CA351782540.

ClinVar aggregate classification (germline): Uncertain significance (1 of 4 stars; one submission).

Submission:

Labcorp Genetics (formerly Invitae), Labcorp
Classification: Uncertain significance. Last evaluated: 2023-07-12. Review status: criteria provided, single submitter. Criteria: Invitae Variant Classification Sherloc (09022015). Collection method: clinical testing. Allele origin: germline.
Comment: This sequence change replaces arginine, which is basic and polar, with leucine, which is neutral and non-polar, at codon 59 of the ATP2B2 protein (p.Arg59Leu). This variant is not present in population databases (gnomAD no frequency). This variant has not been reported in the literature in individuals affected with ATP2B2-related conditions. In summary, the available evidence is currently insufficient to determine the role of this variant in disease. Therefore, it has been classified as a Variant of Uncertain Significance. Advanced modeling of protein sequence and biophysical properties (such as structural, functional, and spatial information, amino acid conservation, physicochemical variation, residue mobility, and thermodynamic stability) performed at Invitae indicates that this missense variant is not expected to disrupt ATP2B2 protein function.